The following is an entry in ClinVar:

ClinVar aggregate classification (germline): Conflicting classifications of pathogenicity. Review status: criteria provided, conflicting classifications (1 of 4 stars). 4 submissions from 4 submitters: Pathogenic (1); Likely pathogenic (1); Uncertain significance (1). 1 of the submissions does not count toward it. Last evaluated 2025-10-06.

Conditions:
Multiple mitochondrial dysfunctions syndrome 7 (MMDS7). Identifiers: MedGen C5830586, MONDO:0957382, OMIM 620423.

Allele frequency attached by ClinVar (database versions not stated): TOPMed below 0.00001.

Submissions (4):

Women's Health and Genetics/Laboratory Corporation of America, LabCorp
Classification: Pathogenic for Multiple mitochondrial dysfunctions syndrome 7. Last evaluated: 2025-10-06. Review status: criteria provided, single submitter. Criteria: LabCorp Variant Classification Summary - May 2015. Collection method: clinical testing. Allele origin: germline.
Comment: Variant summary: GCSH c.293-2_293-1insT is located in a canonical splice-site and is predicted to affect mRNA splicing resulting in a significantly altered protein due to either exon skipping, shortening, or inclusion of intronic material. Variants that disrupt the consensus splice site are a relatively common cause of aberrant splicing and loss of GCSH function. Several computational tools predict a significant impact on normal splicing: Four predict the variant abolishes a canonical 3' acceptor site. At least one publication reports experimental evidence that this variant affects mRNA splicing (Arribas-Carreira_2023). The variant allele was found at a frequency of 4.1e-06 in 244318 control chromosomes (gnomAD). c.293-2_293-1insT has been observed in an individual affected with Multiple Mitochondrial Dysfunctions Syndrome 7 (Arribas-Carreira_2023). The following publication has been ascertained in the context of this evaluation (PMID: 36190515). ClinVar contains an entry for this variant (Variation ID: 2506436). Based on the evidence outlined above, the variant was classified as pathogenic.

GeneDx
Classification: Likely pathogenic. Last evaluated: 2024-09-09. Review status: criteria provided, single submitter. Criteria: GeneDx Variant Classification Process June 2021. Collection method: clinical testing. Allele origin: germline. Affected: yes.
Comment: Canonical splice site variant predicted to result in an in-frame loss of the adjacent exon in a gene for which loss of function is a known mechanism of disease; Not observed at significant frequency in large population cohorts (gnomAD); This variant is associated with the following publications: (PMID: 36190515)

Blueprint Genetics
Classification: Uncertain significance. Last evaluated: 2023-02-10. Review status: criteria provided, single submitter. Criteria: ACMG Guidelines, 2015. Collection method: clinical testing. Allele origin: germline.

OMIM
Classification: Pathogenic for MULTIPLE MITOCHONDRIAL DYSFUNCTIONS SYNDROME 7. Last evaluated: 2023-09-05. Review status: no assertion criteria provided. Collection method: literature only. Allele origin: germline. Not counted in ClinVar's aggregate classification.

Literature cited by the submitters: PubMed 36190515 (cited by Women's Health and Genetics/Laboratory Corporation of America, LabCorp and OMIM).

NM_004483.5(GCSH):c.293-2_293-1insT

Gene: GCSH (glycine cleavage system protein H; minus strand). Cytogenetic location: 16q23.2.
Variant type: Insertion.
Coding change: c.293-2_293-1insT on transcript NM_004483.5 (MANE Select); the canonical splice acceptor site of the intron before coding-DNA position 293, T inserted.
Molecular consequence: splice acceptor variant.
Genome position: GRCh38 VCF-style: chr16-81084595-C-CA. GRCh37 (hg19) VCF-style: chr16-81118200-C-CA.
Identifiers: ClinVar variation 2506436 (VCV002506436.6), dbSNP rs1165763082, ClinGen allele CA624015586.